The following is an entry in ClinVar:

NM_012254.3(SLC27A5):c.360C>A (p.Phe120Leu)

Gene: SLC27A5 (solute carrier family 27 member 5; minus strand). Cytogenetic location: 19q13.43.
Variant type: single nucleotide variant.
Coding change: c.360C>A on transcript NM_012254.3 (MANE Select); coding-DNA position 360, C replaced by A.
Protein change: p.Phe120Leu; replaces phenylalanine 120 with leucine.
Molecular consequence: missense variant.
Genome position (GRCh38, 1-based): chr19:58,511,596, G>T on the plus strand (C>A on the coding strand, the complement: SLC27A5 is on the minus strand). VCF-style: chr19-58511596-G-T. GRCh37 (hg19) VCF-style: chr19-59022963-G-T.
Other names: c.360C>A, p.Phe120Leu (NM_001321196.2); short protein forms F120L.
Identifiers: ClinVar variation 2590908 (VCV002590908.3), dbSNP rs146016074, ClinGen allele CA9718301.
Genomic context (GRCh38, chr19:58,511,596, plus strand): 5'-GGCCCCAGGCCCCGTCCACACCAAGAGTGCCCTGCCAGGCTGCGCTCGTGCTCGCCGCTC[G>T]AAGGCATCTACAAAGGTGTCAGGCGGCTGCCGGCTCAAGCATCCCCTGATCTTCAGGCCC-3'
Protein context (NP_036386.1, residues 110-130): RQPPDTFVDA[Phe120Leu]ERRARAQPGR

ClinVar aggregate classification (germline): Uncertain significance. Review status: criteria provided, multiple submitters, no conflicts (2 of 4 stars). 2 submissions from 2 submitters: Uncertain significance (2). Last evaluated 2025-10-24.

Conditions:
SLC27A5-related disorder. Also called: SLC27A5-related condition.

Allele frequency attached by ClinVar (database versions not stated): ExAC 0.00004; ESP Exome Variant Server 0.00008; 1000 Genomes Project 30x 0.00016.

Submissions (2):

PreventionGenetics, part of Exact Sciences
Classification: Uncertain significance for SLC27A5-related condition. Last evaluated: 2025-10-24. Review status: criteria provided, single submitter. Criteria: ACMG Guidelines, 2015. Collection method: clinical testing. Allele origin: germline.
Comment: The SLC27A5 c.360C>A variant is predicted to result in the amino acid substitution p.Phe120Leu. To our knowledge, this variant has not been reported in the literature. This variant is reported in 0.040% of alleles in individuals of African descent in gnomAD. At this time, the clinical significance of this variant is uncertain due to the absence of conclusive functional and genetic evidence.

Ambry Genetics
Classification: Uncertain significance. Last evaluated: 2023-08-14. Review status: criteria provided, single submitter. Criteria: Ambry Variant Classification Scheme 2023. Collection method: clinical testing. Allele origin: germline.